The following is an entry in ClinVar:

NM_181552.4(CUX1):c.3075C>G (p.Val1025=)

Gene: CUX1 (cut like homeobox 1; plus strand). Cytogenetic location: 7q22.1.
Variant type: single nucleotide variant.
Coding change: c.3075C>G on transcript NM_181552.4 (MANE Select); coding-DNA position 3075, C replaced by G.
Protein change: p.Val1025=; no amino-acid change (valine 1025 retained).
Molecular consequence: synonymous variant. On other transcripts: intron variant (5).
Genome position (GRCh38, 1-based): chr7:102,205,115, C>G. VCF-style: chr7-102205115-C-G. GRCh37 (hg19) VCF-style: chr7-101848395-C-G.
Other names: c.3108C>G, p.Val1036= (NM_001202543.2); c.1255+9512C>G (NM_001913.5); c.1249+9512C>G (NM_181500.4); c.1117+9512C>G (NM_001202545.3); c.1207+9512C>G (NM_001202544.3); c.1138+9512C>G (NM_001202546.3).
Identifiers: ClinVar variation 3342149 (VCV003342149.16).

ClinVar aggregate classification (germline): Likely benign (1 of 4 stars; one submission).

gnomAD v4.1: 1 of 1,606,124 alleles (0.000062%); highest among the groups gnomAD compares: Non-Finnish European, 0.000085%; no homozygotes.

Submission:

CeGaT Center for Human Genetics Tuebingen
Classification: Likely benign. Last evaluated: 2024-08-01. Review status: criteria provided, single submitter. Criteria: CeGaT Center For Human Genetics Tuebingen Variant Classification Criteria Version 2. Collection method: clinical testing. Allele origin: germline. Affected: yes. Observed: 1 variant allele.
Comment: CUX1: BP4, BP7